The following is an entry in ClinVar:

ClinVar aggregate classification (germline): Likely pathogenic. Review status: criteria provided, multiple submitters, no conflicts (2 of 4 stars). 3 submissions from 3 submitters: Likely pathogenic (3). Last evaluated 2025-08-18.

Conditions:
Hereditary cancer-predisposing syndrome. Also called: Tumor predisposition; Neoplastic Syndromes, Hereditary; Hereditary neoplastic syndrome; Hereditary Cancer Syndrome. Identifiers: Orphanet 140162, MedGen C0027672, MeSH D009386, MONDO:0015356.
Familial cancer of breast. Also called: hereditary breast carcinoma; BREAST CANCER, FAMILIAL; Hereditary breast cancer. Identifiers: Orphanet 227535, MedGen C0346153, MONDO:0016419, OMIM 114480. Disease mechanism: loss of function.

Submissions (3):

Labcorp Genetics (formerly Invitae), Labcorp
Classification: Likely pathogenic for Familial cancer of breast. Last evaluated: 2025-08-18. Review status: criteria provided, single submitter. Criteria: Invitae Variant Classification Sherloc (09022015). Collection method: clinical testing. Allele origin: germline.
Comment: This sequence change affects an acceptor splice site in intron 3 of the CHEK2 gene. It is expected to disrupt RNA splicing. Variants that disrupt the donor or acceptor splice site typically lead to a loss of protein function (PMID: 16199547), and loss-of-function variants in CHEK2 are known to be pathogenic (PMID: 21876083, 24713400). This variant is not present in population databases (gnomAD no frequency). This variant has not been reported in the literature in individuals affected with CHEK2-related conditions. ClinVar contains an entry for this variant (Variation ID: 631187). Algorithms developed to predict the effect of sequence changes on RNA splicing suggest that this variant may disrupt the consensus splice site. In summary, the currently available evidence indicates that the variant is pathogenic, but additional data are needed to prove that conclusively. Therefore, this variant has been classified as Likely Pathogenic.

Myriad Genetics, Inc.
Classification: Likely pathogenic for Familial cancer of breast. Last evaluated: 2023-06-23. Review status: criteria provided, single submitter. Criteria: Myriad Autosomal Dominant, Autosomal Recessive and X-Linked Classification Criteria (2023). Collection method: clinical testing. Allele origin: unknown.
Comment: This variant is considered likely pathogenic. This variant occurs within a consensus splice junction and is predicted to result in abnormal mRNA splicing of either an out-of-frame exon or an in-frame exon necessary for protein stability and/or normal function.

Color Diagnostics, LLC DBA Color Health
Classification: Likely pathogenic for Hereditary cancer-predisposing syndrome. Last evaluated: 2018-07-21. Review status: criteria provided, single submitter. Criteria: ACMG Guidelines, 2015. Collection method: clinical testing. Allele origin: germline.

Literature cited by the submitters: PubMed 16199547 (cited by Labcorp Genetics (formerly Invitae), Labcorp); PubMed 21876083 (cited by Labcorp Genetics (formerly Invitae), Labcorp); PubMed 24713400 (cited by Labcorp Genetics (formerly Invitae), Labcorp).

NM_007194.4(CHEK2):c.445-2A>G

Gene: CHEK2 (checkpoint kinase 2; minus strand). Cytogenetic location: 22q12.1.
Variant type: single nucleotide variant.
Coding change: c.445-2A>G on transcript NM_007194.4 (MANE Select); the canonical splice acceptor site of the intron before coding-DNA position 445, A replaced by G.
Molecular consequence: splice acceptor variant. On other transcripts: intron variant (1).
Genome position (GRCh38, 1-based): chr22:28,725,126, T>C on the plus strand (A>G on the coding strand, the complement: CHEK2 is on the minus strand). VCF-style: chr22-28725126-T-C. GRCh37 (hg19) VCF-style: chr22-29121114-T-C.
Other names: c.-219-2A>G (NM_001437942.1); c.444+117A>G (NM_001349956.3); c.445-2A>G (NM_145862.3); c.-333-2A>G (NM_001257387.3); c.538-2A>G (NM_001438295.1, NM_001438293.1); c.574-2A>G (NM_001438294.1, NM_001005735.3).
Identifiers: ClinVar variation 631187 (VCV000631187.12), dbSNP rs1569158075, ClinGen allele CA411107792.